The following is an entry in ClinVar:

ClinVar aggregate classification (germline): Uncertain significance (1 of 4 stars; one submission).

Allele frequency attached by ClinVar (database versions not stated): gnomAD exomes below 0.00001.
gnomAD v4.1: 4 of 1,573,884 alleles (0.00025%); highest among the groups gnomAD compares: African/African-American, 0.0027%; no homozygotes.

Submission:

Labcorp Genetics (formerly Invitae), Labcorp
Classification: Uncertain significance. Last evaluated: 2022-08-15. Review status: criteria provided, single submitter. Criteria: Invitae Variant Classification Sherloc (09022015). Collection method: clinical testing. Allele origin: germline.
Comment: In summary, the available evidence is currently insufficient to determine the role of this variant in disease. Therefore, it has been classified as a Variant of Uncertain Significance. Algorithms developed to predict the effect of sequence changes on RNA splicing suggest that this variant may disrupt the consensus splice site. ClinVar contains an entry for this variant (Variation ID: 1478998). This variant has not been reported in the literature in individuals affected with KIZ-related conditions. This variant is present in population databases (no rsID available, gnomAD 0.007%). This sequence change falls in intron 8 of the KIZ gene. It does not directly change the encoded amino acid sequence of the KIZ protein.

NM_018474.6(KIZ):c.1613-8A>G

Genes: KIZ (kizuna centrosomal protein; plus strand), KIZ-AS1 (KIZ antisense RNA 1; minus strand). Cytogenetic location: 20p11.23.
Variant type: single nucleotide variant.
Coding change: c.1613-8A>G on transcript NM_018474.6 (MANE Select); 8 bases into the intron before coding-DNA position 1613, A replaced by G.
Molecular consequence: intron variant.
Genome position (GRCh38, 1-based): chr20:21,215,575, A>G. VCF-style: chr20-21215575-A-G. GRCh37 (hg19) VCF-style: chr20-21196213-A-G.
Other names: c.1466-8A>G (NM_001276389.2); c.1271-8A>G (NM_001352436.2); c.1559-8A>G (NM_001352434.2); c.1304-8A>G (NM_001163022.3); c.1250-8A>G (NM_001352435.2); c.1214-8A>G (NM_001163023.3).
Identifiers: ClinVar variation 1478998 (VCV001478998.6), dbSNP rs1449212017, ClinGen allele CA635086480.